The following is an entry in ClinVar:

ClinVar aggregate classification (germline): Uncertain significance. Review status: criteria provided, single submitter (1 of 4 stars). 2 submissions from 2 submitters: Uncertain significance (1). 1 of the submissions does not count toward it. Last evaluated 2025-01-10.

Conditions:
CUL4B-related disorder. Also called: CUL4B-related condition.
Inborn genetic diseases. Identifiers: MedGen C0950123, MeSH D030342.

gnomAD v4.1: 4 of 1,205,050 alleles (0.00033%); highest among the groups gnomAD compares: Non-Finnish European, 0.00045%; no homozygotes.

Submissions (2):

Ambry Genetics
Classification: Uncertain significance for Inborn genetic diseases. Last evaluated: 2025-01-10. Review status: criteria provided, single submitter. Criteria: Ambry Variant Classification Scheme 2023. Collection method: clinical testing. Allele origin: germline.

PreventionGenetics, part of Exact Sciences
Classification: Uncertain significance for CUL4B-related condition. Last evaluated: 2024-09-27. Review status: no assertion criteria provided. Collection method: clinical testing. Allele origin: germline. Not counted in ClinVar's aggregate classification.
Comment: The CUL4B c.763A>G variant is predicted to result in the amino acid substitution p.Asn255Asp. To our knowledge, this variant has not been reported in the literature. This variant is reported in 0.0012% of alleles in individuals of European (Non-Finnish) descent in gnomAD. At this time, the clinical significance of this variant is uncertain due to the absence of conclusive functional and genetic evidence.

NM_001079872.2(CUL4B):c.709A>G (p.Asn237Asp)

Gene: CUL4B (cullin 4B; minus strand). Cytogenetic location: Xq24.
Variant type: single nucleotide variant.
Coding change: c.709A>G on transcript NM_001079872.2 (MANE Select); coding-DNA position 709, A replaced by G.
Protein change: p.Asn237Asp; replaces asparagine 237 with aspartic acid.
Molecular consequence: missense variant.
Genome position (GRCh38, 1-based): chrX:120,547,203, T>C on the plus strand (A>G on the coding strand, the complement: CUL4B is on the minus strand). VCF-style: chrX-120547203-T-C. GRCh37 (hg19) VCF-style: chrX-119681058-T-C.
Other names: c.724A>G, p.Asn242Asp (NM_001330624.2); c.175A>G, p.Asn59Asp (NM_001369145.1); c.763A>G, p.Asn255Asp (NM_003588.4); short protein forms N237D, N242D, N255D, N59D.
Identifiers: ClinVar variation 3354266 (VCV003354266.2).